The following is an entry in ClinVar:

ClinVar aggregate classification (germline): Uncertain significance (1 of 4 stars; one submission).

Conditions:
Congenital sideroblastic anemia-B-cell immunodeficiency-periodic fever-developmental delay syndrome. Also called: Sideroblastic anemia with B-cell immunodeficiency, periodic fevers, and developmental delay. Identifiers: Orphanet 369861, MedGen C4015172, MONDO:0014487, OMIM 616084.

Allele frequency attached by ClinVar (database versions not stated): gnomAD below 0.00001 and 0.00001; TOPMed 0.00001; gnomAD exomes 0.00006; ExAC 0.00007.
gnomAD v4.1: 57 of 1,613,622 alleles (0.0035%); highest among the groups gnomAD compares: South Asian, 0.059%; no homozygotes.

Submission:

Labcorp Genetics (formerly Invitae), Labcorp
Classification: Uncertain significance for Congenital sideroblastic anemia-B-cell immunodeficiency-periodic fever-developmental delay syndrome. Last evaluated: 2025-10-27. Review status: criteria provided, single submitter. Criteria: Invitae Variant Classification Sherloc (09022015). Collection method: clinical testing. Allele origin: germline.
Comment: This sequence change replaces aspartic acid, which is acidic and polar, with histidine, which is basic and polar, at codon 332 of the TRNT1 protein (p.Asp332His). This variant is present in population databases (no rsID available, gnomAD 0.05%). This variant has not been reported in the literature in individuals affected with TRNT1-related conditions. ClinVar contains an entry for this variant (Variation ID: 945222). Invitae Evidence Modeling of protein sequence and biophysical properties (such as structural, functional, and spatial information, amino acid conservation, physicochemical variation, residue mobility, and thermodynamic stability) indicates that this missense variant is not expected to disrupt TRNT1 protein function with a negative predictive value of 80%. In summary, the available evidence is currently insufficient to determine the role of this variant in disease. Therefore, it has been classified as a Variant of Uncertain Significance.

NM_182916.3(TRNT1):c.994G>C (p.Asp332His)

Gene: TRNT1 (tRNA nucleotidyl transferase 1; plus strand). Cytogenetic location: 3p26.2.
Variant type: single nucleotide variant.
Coding change: c.994G>C on transcript NM_182916.3 (MANE Select); coding-DNA position 994, G replaced by C.
Protein change: p.Asp332His; replaces aspartic acid 332 with histidine.
Molecular consequence: missense variant. On other transcripts: non-coding transcript variant (8).
Genome position (GRCh38, 1-based): chr3:3,147,641, G>C. VCF-style: chr3-3147641-G-C. GRCh37 (hg19) VCF-style: chr3-3189325-G-C.
Other names: c.994G>C, p.Asp332His (NM_001367322.1, NM_001367323.1, NM_001367321.1); c.934G>C, p.Asp312His (NM_001302946.2); short protein forms D312H, D332H.
Identifiers: ClinVar variation 945222 (VCV000945222.6), dbSNP rs1553555848, ClinGen allele CA2228839.